The following is an entry in ClinVar:

NM_022726.4(ELOVL4):c.875G>A (p.Ser292Asn)

Gene: ELOVL4 (ELOVL fatty acid elongase 4; minus strand). Cytogenetic location: 6q14.1.
Variant type: single nucleotide variant.
Coding change: c.875G>A on transcript NM_022726.4 (MANE Select); coding-DNA position 875, G replaced by A.
Protein change: p.Ser292Asn; replaces serine 292 with asparagine.
Molecular consequence: missense variant.
Genome position (GRCh38, 1-based): chr6:79,916,678, C>T on the plus strand (G>A on the coding strand, the complement: ELOVL4 is on the minus strand). VCF-style: chr6-79916678-C-T. GRCh37 (hg19) VCF-style: chr6-80626395-C-T.
Other names: short protein forms S292N.
Identifiers: ClinVar variation 3611995 (VCV003611995.2).

ClinVar aggregate classification (germline): Uncertain significance (1 of 4 stars; one submission).

gnomAD v4.1: 15 of 1,613,954 alleles (0.00093%); highest among the groups gnomAD compares: Non-Finnish European, 0.0013%; no homozygotes.

Submission:

Labcorp Genetics (formerly Invitae), Labcorp
Classification: Uncertain significance. Last evaluated: 2024-11-11. Review status: criteria provided, single submitter. Criteria: Invitae Variant Classification Sherloc (09022015). Collection method: clinical testing. Allele origin: germline.
Comment: This sequence change replaces serine, which is neutral and polar, with asparagine, which is neutral and polar, at codon 292 of the ELOVL4 protein (p.Ser292Asn). This variant is not present in population databases (gnomAD no frequency). This variant has not been reported in the literature in individuals affected with ELOVL4-related conditions. An algorithm developed to predict the effect of missense changes on protein structure and function outputs the following: PolyPhen-2: "Benign". The asparagine amino acid residue is found in multiple mammalian species, which suggests that this missense change does not adversely affect protein function. In summary, the available evidence is currently insufficient to determine the role of this variant in disease. Therefore, it has been classified as a Variant of Uncertain Significance.